The following is an entry in ClinVar:

ClinVar aggregate classification (germline): Uncertain significance. Review status: criteria provided, multiple submitters, no conflicts (2 of 4 stars). 2 submissions from 2 submitters: Uncertain significance (2). Last evaluated 2024-10-23.

Conditions:
Progressive myoclonic epilepsy. Also called: Familial progressive myoclonic epilepsy; Progressive myoclonus epilepsy; Myoclonic Epilepsies, Progressive; Myoclonus epilepsy. Identifiers: Orphanet 308, Orphanet 98261, MedGen C0751778, MONDO:0020074.

Allele frequency attached by ClinVar (database versions not stated): TOPMed 0.00001; gnomAD 0.00002.
gnomAD v4.1: 3 of 1,611,136 alleles (0.00019%); highest among the groups gnomAD compares: African/African-American, 0.0013%; no homozygotes.

Submissions (2):

Labcorp Genetics (formerly Invitae), Labcorp
Classification: Uncertain significance for Progressive myoclonic epilepsy. Last evaluated: 2024-10-23. Review status: criteria provided, single submitter. Criteria: Invitae Variant Classification Sherloc (09022015). Collection method: clinical testing. Allele origin: germline.
Comment: This sequence change replaces phenylalanine, which is neutral and non-polar, with leucine, which is neutral and non-polar, at codon 45 of the GOSR2 protein (p.Phe45Leu). This variant is not present in population databases (gnomAD no frequency). This variant has not been reported in the literature in individuals affected with GOSR2-related conditions. ClinVar contains an entry for this variant (Variation ID: 405441). An algorithm developed to predict the effect of missense changes on protein structure and function (PolyPhen-2) suggests that this variant is likely to be tolerated. In summary, the available evidence is currently insufficient to determine the role of this variant in disease. Therefore, it has been classified as a Variant of Uncertain Significance.

GeneDx
Classification: Uncertain significance. Last evaluated: 2023-07-03. Review status: criteria provided, single submitter. Criteria: GeneDx Variant Classification Process June 2021. Collection method: clinical testing. Allele origin: germline. Affected: yes.
Comment: Not observed at significant frequency in large population cohorts (gnomAD); In silico analysis supports that this missense variant does not alter protein structure/function; Has not been previously published as pathogenic or benign to our knowledge

NM_004287.5(GOSR2):c.133T>C (p.Phe45Leu)

Genes: GOSR2 (golgi SNAP receptor complex member 2; plus strand), LRRC37A2 (leucine rich repeat containing 37 member A2), LOC126862578 (BRD4-independent group 4 enhancer GRCh37_chr17:45008344-45009543; plus strand). Cytogenetic location: 17q21.32.
Variant type: single nucleotide variant.
Coding change: c.133T>C on transcript NM_004287.5 (MANE Select); coding-DNA position 133, T replaced by C.
Protein change: p.Phe45Leu; replaces phenylalanine 45 with leucine.
Molecular consequence: missense variant. On other transcripts: non-coding transcript variant (3).
Genome position (GRCh38, 1-based): chr17:46,931,137, T>C. VCF-style: chr17-46931137-T-C. GRCh37 (hg19) VCF-style: chr17-45008503-T-C.
Other names: c.133T>C, p.Phe45Leu (NM_001012511.3, NM_001321133.2, NM_001330252.2 and 1 more transcripts); c.79T>C, p.Phe27Leu (NM_001321134.2, NM_001363851.2); c.130T>C, p.Phe44Leu (NM_001353114.2, NM_001353115.2, NM_001353116.2); short protein forms F45L, F27L, F44L.
Identifiers: ClinVar variation 405441 (VCV000405441.7), dbSNP rs1060500714, ClinGen allele CA16615445.